The following is an entry in ClinVar:

ClinVar aggregate classification (germline): Uncertain significance (1 of 4 stars; one submission).

Submission:

GeneDx
Classification: Uncertain significance. Last evaluated: 2025-05-12. Review status: criteria provided, single submitter. Criteria: GeneDx Variant Classification Process June 2021. Collection method: clinical testing. Allele origin: germline. Affected: yes.
Comment: Not observed at significant frequency in large population cohorts (gnomAD); Frameshift variant predicted to result in abnormal protein length as the last 371 amino acids are replaced with 148 different amino acids; Has not been previously published as pathogenic or benign to our knowledge

NM_001454.4(FOXJ1):c.147_150dup (p.Ala51fs)

Genes: FOXJ1 (forkhead box J1; minus strand), LOC130061707 (ATAC-STARR-seq lymphoblastoid silent region 9003; plus strand). Cytogenetic location: 17q25.1.
Variant type: Duplication.
Coding change: c.147_150dup on transcript NM_001454.4 (MANE Select); coding-DNA positions 147 to 150, 4 bases duplicated (CCCC; older notation c.147_150dupCCCC).
Protein change: p.Ala51fs; shifts the reading frame from alanine 51.
Molecular consequence: frameshift variant.
Genome position (GRCh38, 1-based): chr17:76,140,246-76,140,249, GGGG duplicated on the plus strand (CCCC on the coding strand, the reverse complement: FOXJ1 is on the minus strand); duplicating any 4 consecutive bases within chr17:76,140,246-76,140,250 gives the same sequence; the c. name uses the placement nearest the transcript's 3' end. VCF-style (leftmost placement, unchanged base first): chr17-76140245-C-CGGGG. GRCh37 (hg19) VCF-style: chr17-74136326-C-CGGGG.
Other names: short protein forms A51fs.
Identifiers: ClinVar variation 4529968 (VCV004529968.1).